The following is an entry in ClinVar:

NM_005359.6(SMAD4):c.127T>G (p.Leu43Val)

Gene: SMAD4 (SMAD family member 4; plus strand). Cytogenetic location: 18q21.2.
Variant type: single nucleotide variant.
Coding change: c.127T>G on transcript NM_005359.6 (MANE Select); coding-DNA position 127, T replaced by G.
Protein change: p.Leu43Val; replaces leucine 43 with valine.
Molecular consequence: missense variant.
Genome position (GRCh38, 1-based): chr18:51,047,173, T>G. VCF-style: chr18-51047173-T-G. GRCh37 (hg19) VCF-style: chr18-48573543-T-G.
Other names: short protein forms L43V.
Identifiers: ClinVar variation 216602 (VCV000216602.12), dbSNP rs863224731, ClinGen allele CA338884.

ClinVar aggregate classification (germline): Uncertain significance. Review status: criteria provided, multiple submitters, no conflicts (2 of 4 stars). 2 submissions from 2 submitters: Uncertain significance (2). Last evaluated 2023-03-24.

Conditions:
Hereditary cancer-predisposing syndrome. Also called: Tumor predisposition; Hereditary Cancer Syndrome; Neoplastic Syndromes, Hereditary; Hereditary neoplastic syndrome. Identifiers: Orphanet 140162, MedGen C0027672, MeSH D009386, MONDO:0015356.
Familial thoracic aortic aneurysm and aortic dissection (TAAD). Also called: Thoracic aortic aneurysms and dissections. Identifiers: Orphanet 91387, MedGen C4707243, MONDO:0019625.
Juvenile polyposis syndrome (JPS). Identifiers: Orphanet 2929, MedGen C0345893, MONDO:0017380, OMIM 174900.

Submissions (2):

Labcorp Genetics (formerly Invitae), Labcorp
Classification: Uncertain significance for Juvenile polyposis syndrome. Last evaluated: 2023-03-24. Review status: criteria provided, single submitter. Criteria: Invitae Variant Classification Sherloc (09022015). Collection method: clinical testing. Allele origin: germline.
Comment: In summary, the available evidence is currently insufficient to determine the role of this variant in disease. Therefore, it has been classified as a Variant of Uncertain Significance. Experimental studies have shown that this missense change affects SMAD4 function (PMID: 14647410). Advanced modeling of protein sequence and biophysical properties (such as structural, functional, and spatial information, amino acid conservation, physicochemical variation, residue mobility, and thermodynamic stability) has been performed at Invitae for this missense variant, however the output from this modeling did not meet the statistical confidence thresholds required to predict the impact of this variant on SMAD4 protein function. ClinVar contains an entry for this variant (Variation ID: 216602). This variant has not been reported in the literature in individuals affected with SMAD4-related conditions. This variant is not present in population databases (gnomAD no frequency). This sequence change replaces leucine, which is neutral and non-polar, with valine, which is neutral and non-polar, at codon 43 of the SMAD4 protein (p.Leu43Val).

Ambry Genetics
Classification: Uncertain significance for Hereditary cancer-predisposing syndrome; Familial thoracic aortic aneurysm and aortic dissection. Last evaluated: 2020-09-11. Review status: criteria provided, single submitter. Criteria: Ambry Variant Classification Scheme 2023. Collection method: clinical testing. Allele origin: germline.
Comment: The p.L43V variant (also known as c.127T>G), located in coding exon 1 of the SMAD4 gene, results from a T to G substitution at nucleotide position 127. The leucine at codon 43 is replaced by valine, an amino acid with highly similar properties. In one functional study, this variant had reduced ability to transactivate a TGF-&beta; responsive reporter gene and lost binding activity to a SMAD-binding element in an electrophoretic mobility shift assay (EMSA) (Kuang C et al. Oncogene, 2004 Feb;23:1021-9). This amino acid position is highly conserved in available vertebrate species. In addition, this alteration is predicted to be deleterious by in silico analysis. Since supporting evidence is limited at this time, the clinical significance of this alteration remains unclear.

Literature cited by the submitters: PubMed 14647410 (cited by Labcorp Genetics (formerly Invitae), Labcorp).